The following is an entry in ClinVar:

ClinVar aggregate classification (germline): Uncertain significance (1 of 4 stars; one submission).

Conditions:
Cardiovascular phenotype. Identifiers: MedGen CN230736.

Submission:

Ambry Genetics
Classification: Uncertain significance for Cardiovascular phenotype. Last evaluated: 2025-03-13. Review status: criteria provided, single submitter. Criteria: Ambry Variant Classification Scheme 2023. Collection method: clinical testing. Allele origin: germline.
Comment: The p.H403Q variant (also known as c.1209C>A), located in coding exon 2 of the RBM20 gene, results from a C to A substitution at nucleotide position 1209. The histidine at codon 403 is replaced by glutamine, an amino acid with highly similar properties. This amino acid position is conserved. In addition, this alteration is predicted to be tolerated by in silico analysis. Based on the available evidence, the clinical significance of this variant remains unclear.

NM_001134363.3(RBM20):c.1209C>A (p.His403Gln)

Gene: RBM20 (RNA binding motif protein 20; plus strand). Cytogenetic location: 10q25.2.
Variant type: single nucleotide variant.
Coding change: c.1209C>A on transcript NM_001134363.3 (MANE Select); coding-DNA position 1209, C replaced by A.
Protein change: p.His403Gln; replaces histidine 403 with glutamine.
Molecular consequence: missense variant.
Genome position (GRCh38, 1-based): chr10:110,781,818, C>A. VCF-style: chr10-110781818-C-A. GRCh37 (hg19) VCF-style: chr10-112541576-C-A.
Other names: short protein forms H403Q.
Identifiers: ClinVar variation 3787516 (VCV003787516.1).
Genomic context (GRCh38, chr10:110,781,818, plus strand): 5'-GGAGGACCAGGCGTTGCTATCTGTGCGGCCCCTGCAGGCTCATGAGCTGAACGACTTTCA[C>A]GGTGTGGCCCCCCTCCACTTGCCGCATATCTGTAGCATCTGTGACAAGAAGGTGTTTGAT-3'
Protein context (NP_001127835.2, residues 393-413): PLQAHELNDF[His403Gln]GVAPLHLPHI